The following is an entry in ClinVar:

ClinVar aggregate classification (germline): Uncertain significance. Review status: criteria provided, multiple submitters, no conflicts (2 of 4 stars). 2 submissions from 2 submitters: Uncertain significance (2). Last evaluated 2025-05-17.

Conditions:
Hereditary cancer-predisposing syndrome. Also called: Hereditary neoplastic syndrome; Tumor predisposition; Hereditary Cancer Syndrome; Neoplastic Syndromes, Hereditary. Identifiers: Orphanet 140162, MedGen C0027672, MeSH D009386, MONDO:0015356.

Allele frequency attached by ClinVar (database versions not stated): gnomAD exomes below 0.00001; ExAC 0.00001.
gnomAD v4.1: 1 of 1,614,216 alleles (0.000062%); highest among the groups gnomAD compares: East Asian, 0.0022%; no homozygotes.

Submissions (2):

Ambry Genetics
Classification: Uncertain significance for Hereditary cancer-predisposing syndrome. Last evaluated: 2025-05-17. Review status: criteria provided, single submitter. Criteria: Ambry Variant Classification Scheme 2023. Collection method: clinical testing. Allele origin: germline.
Comment: The p.D589V variant (also known as c.1766A>T), located in coding exon 11 of the PMS2 gene, results from an A to T substitution at nucleotide position 1766. The aspartic acid at codon 589 is replaced by valine, an amino acid with highly dissimilar properties. This amino acid position is conserved. In addition, this alteration is predicted to be tolerated by in silico analysis. Based on the available evidence, the clinical significance of this variant remains unclear.

Color Diagnostics, LLC DBA Color Health
Classification: Uncertain significance for Hereditary cancer-predisposing syndrome. Last evaluated: 2023-12-05. Review status: criteria provided, single submitter. Criteria: ACMG Guidelines, 2015. Collection method: clinical testing. Allele origin: germline.
Comment: This missense variant replaces aspartic acid with valine at codon 589 of the PMS2 protein. Computational prediction suggests that this variant may not impact protein structure and function (internally defined REVEL score threshold <= 0.5, PMID: 27666373). To our knowledge, functional studies have not been reported for this variant. This variant has not been reported in individuals affected with PMS2-related disorders in the literature. This variant has been identified in 1/251430 chromosomes in the general population by the Genome Aggregation Database (gnomAD). The available evidence is insufficient to determine the role of this variant in disease conclusively. Therefore, this variant is classified as a Variant of Uncertain Significance.

NM_000535.7(PMS2):c.1766A>T (p.Asp589Val)

Gene: PMS2 (PMS1 homolog 2, mismatch repair system component; minus strand). Cytogenetic location: 7p22.1.
Variant type: single nucleotide variant.
Coding change: c.1766A>T on transcript NM_000535.7 (MANE Select); coding-DNA position 1766, A replaced by T.
Protein change: p.Asp589Val; replaces aspartic acid 589 with valine.
Molecular consequence: missense variant. On other transcripts: non-coding transcript variant (1).
Genome position (GRCh38, 1-based): chr7:5,986,999, T>A on the plus strand (A>T on the coding strand, the complement: PMS2 is on the minus strand). VCF-style: chr7-5986999-T-A. GRCh37 (hg19) VCF-style: chr7-6026630-T-A.
Other names: c.1361A>T, p.Asp454Val (NM_001322003.2, NM_001322004.2, NM_001322005.2 and 1 more transcripts); c.1610A>T, p.Asp537Val (NM_001322006.2); c.1448A>T, p.Asp483Val (NM_001322007.2, NM_001322008.2); c.1205A>T, p.Asp402Val (NM_001322010.2); c.833A>T, p.Asp278Val (NM_001322011.2, NM_001322012.2); c.1193A>T, p.Asp398Val (NM_001322013.2); c.1766A>T, p.Asp589Val (NM_001322014.2); c.1457A>T, p.Asp486Val (NM_001322015.2); and 1 more; short protein forms D589V, D278V, D483V, D537V, D402V, D454V, D398V, D486V.
Identifiers: ClinVar variation 492268 (VCV000492268.7), dbSNP rs774767419, ClinGen allele CA045517.
Genomic context (GRCh38, chr7:5,986,999, plus strand): 5'-ACAGCTACATCAACCTGAGAGGCTGACATGTCCTGAGTATTTACTAACTTTTGACAAATG[T>A]CAGAACTGGAAAGAATTTCTTCTTTTTTAAAACGCTTTGTGTTTGGGGTTGCGAGATTAG-3'
Protein context (NP_000526.2, residues 579-599): FKKEEILSSS[Asp589Val]ICQKLVNTQD